The following is an entry in ClinVar:

NM_173728.4(ARHGEF15):c.1097G>C (p.Trp366Ser)

Gene: ARHGEF15 (Rho guanine nucleotide exchange factor 15; plus strand). Cytogenetic location: 17p13.1.
Variant type: single nucleotide variant.
Coding change: c.1097G>C on transcript NM_173728.4 (MANE Select); coding-DNA position 1097, G replaced by C.
Protein change: p.Trp366Ser; replaces tryptophan 366 with serine.
Molecular consequence: missense variant.
Genome position (GRCh38, 1-based): chr17:8,315,114, G>C. VCF-style: chr17-8315114-G-C. GRCh37 (hg19) VCF-style: chr17-8218432-G-C.
Other names: c.1097G>C, p.Trp366Ser (NM_025014.2); short protein forms W366S.
Identifiers: ClinVar variation 857321 (VCV000857321.10), dbSNP rs776495574, ClinGen allele CA8375090.

ClinVar aggregate classification (germline): Uncertain significance (1 of 4 stars; one submission).

Conditions:
Early-infantile DEE. Also called: Ohtahara syndrome; Early infantile epileptic encephalopathy with suppression bursts; Early infantile epileptic encephalopathy. Identifiers: Orphanet 1934, MedGen C0393706, MONDO:0800491.

Allele frequency attached by ClinVar (database versions not stated): TOPMed below 0.00001; gnomAD 0.00001.
gnomAD v4.1: 10 of 1,613,726 alleles (0.00062%); highest among the groups gnomAD compares: Non-Finnish European, 0.00068%; no homozygotes.

Submission:

Labcorp Genetics (formerly Invitae), Labcorp
Classification: Uncertain significance for Early-infantile DEE. Last evaluated: 2022-03-23. Review status: criteria provided, single submitter. Criteria: Invitae Variant Classification Sherloc (09022015). Collection method: clinical testing. Allele origin: germline.
Comment: This sequence change replaces tryptophan, which is neutral and slightly polar, with serine, which is neutral and polar, at codon 366 of the ARHGEF15 protein (p.Trp366Ser). This variant is present in population databases (rs776495574, gnomAD 0.0009%). This variant has not been reported in the literature in individuals affected with ARHGEF15-related conditions. ClinVar contains an entry for this variant (Variation ID: 857321). Algorithms developed to predict the effect of missense changes on protein structure and function are either unavailable or do not agree on the potential impact of this missense change (SIFT: "Deleterious"; PolyPhen-2: "Benign"; Align-GVGD: "Class C65"). In summary, the available evidence is currently insufficient to determine the role of this variant in disease. Therefore, it has been classified as a Variant of Uncertain Significance.